The following is an entry in ClinVar:

ClinVar aggregate classification (germline): Likely benign. Review status: criteria provided, multiple submitters, no conflicts (2 of 4 stars). 3 submissions from 3 submitters: Likely benign (2). 1 of the submissions does not count toward it. Last evaluated 2025-12-06.

Conditions:
ERCC2-related disorder. Also called: ERCC2-related conditions; ERCC2-related condition; ERCC2-related disorders. Identifiers: MedGen CN239291.
Inborn genetic diseases. Identifiers: MedGen C0950123, MeSH D030342.

Allele frequency attached by ClinVar (database versions not stated): gnomAD 0.00001; gnomAD exomes 0.00001; TOPMed 0.00004.

Submissions (3):

Labcorp Genetics (formerly Invitae), Labcorp
Classification: Likely benign. Last evaluated: 2025-12-06. Review status: criteria provided, single submitter. Criteria: Invitae Variant Classification Sherloc (09022015). Collection method: clinical testing. Allele origin: germline.

Ambry Genetics
Classification: Likely benign for Inborn genetic diseases. Last evaluated: 2022-04-29. Review status: criteria provided, single submitter. Criteria: Ambry Variant Classification Scheme 2023. Collection method: clinical testing. Allele origin: germline.

PreventionGenetics, part of Exact Sciences
Classification: Likely benign for ERCC2-related condition. Last evaluated: 2024-09-24. Review status: no assertion criteria provided. Collection method: clinical testing. Allele origin: germline. Not counted in ClinVar's aggregate classification.
Comment: This variant is classified as likely benign based on ACMG/AMP sequence variant interpretation guidelines (Richards et al. 2015 PMID: 25741868, with internal and published modifications).

NM_000400.4(ERCC2):c.447C>T (p.Asp149=)

Gene: ERCC2 (ERCC excision repair 2, TFIIH core complex helicase subunit; minus strand). Cytogenetic location: 19q13.32.
Variant type: single nucleotide variant.
Coding change: c.447C>T on transcript NM_000400.4 (MANE Select); coding-DNA position 447, C replaced by T.
Protein change: p.Asp149=; no amino-acid change (aspartic acid 149 retained).
Molecular consequence: synonymous variant.
Genome position (GRCh38, 1-based): chr19:45,365,072, G>A on the plus strand (C>T on the coding strand, the complement: ERCC2 is on the minus strand). VCF-style: chr19-45365072-G-A. GRCh37 (hg19) VCF-style: chr19-45868330-G-A.
Other names: c.375C>T, p.Asp125= (NM_001130867.2).
Identifiers: ClinVar variation 1740884 (VCV001740884.8), dbSNP rs901170606, ClinGen allele CA308970072.
Genomic context (GRCh38, chr19:45,365,072, plus strand): 5'-CTCCCTCCCTCAGCCCTGCCCTCCAGTAACCTCATAGAATCGGCAGTGGGGCAGGCTGGT[G>A]TCATGCTGGTACTGCGCCCGCACATAGGAGGCTGTGAGGCTGTGGCATTTCCCATCGACG-3'
Protein context (NP_000391.1, residues 139-159): ASYVRAQYQH[Asp149=]TSLPHCRFYE